The following is an entry in ClinVar:

ClinVar aggregate classification (germline): not provided (0 of 4 stars; one submission).

Conditions:
Cystic fibrosis (CF). Also called: MUCOVISCIDOSIS. Identifiers: Orphanet 586, MedGen C0010674, MONDO:0009061, OMIM 219700. Disease mechanism: loss of function.

Submission:

GeneReviews
No classification provided. Condition: Cystic fibrosis. Review status: no classification provided. Collection method: literature only. Allele origin: unknown.
Comment: The severity of lung disease in individuals heterozygous or homozygous for p.Arg117His depends on the presence of a variation in the poly T tract of intron 9, c.1210-12T[5_9] [Massie et al 2001]. Individuals with a CF-causing variant plus the 5T variant in cis with p.Arg117His usually develop the lung disease of CF, but those individuals with p.Arg117His and the 7T variant or the 9T variant have a highly variable phenotype that can range from no symptoms to mild lung disease [Kiesewetter et al 1993, Chmiel et al 1999].

Literature cited by the submitters: PubMed 15371902; PubMed 11491164; PubMed 7506096; PubMed 10103316; PubMed 20301428.

NM_000492.3:c.1210-12T[(5_9)]

Gene: CFTR (CF transmembrane conductance regulator; plus strand).
Variant type: Microsatellite.
Other names: 5T/7T/9T.
Identifiers: ClinVar variation 1098573 (VCV001098573.2).